The following is an entry in ClinVar:

ClinVar aggregate classification (germline): Uncertain significance (1 of 4 stars; one submission).

Conditions:
Early-infantile DEE. Also called: Early infantile epileptic encephalopathy with suppression bursts; Early infantile epileptic encephalopathy; Ohtahara syndrome. Identifiers: Orphanet 1934, MedGen C0393706, MONDO:0800491.

Allele frequency attached by ClinVar (database versions not stated): gnomAD exomes below 0.00001.
gnomAD v4.1: 1 of 1,612,240 alleles (0.000062%); highest among the groups gnomAD compares: Non-Finnish European, 0.000085%; no homozygotes.

Submission:

Labcorp Genetics (formerly Invitae), Labcorp
Classification: Uncertain significance for Early-infantile DEE. Last evaluated: 2023-02-16. Review status: criteria provided, single submitter. Criteria: Invitae Variant Classification Sherloc (09022015). Collection method: clinical testing. Allele origin: germline.
Comment: This variant has not been reported in the literature in individuals affected with SCN1A-related conditions. This variant is not present in population databases (gnomAD no frequency). This sequence change replaces isoleucine, which is neutral and non-polar, with valine, which is neutral and non-polar, at codon 198 of the SCN1A protein (p.Ile198Val). In summary, the available evidence is currently insufficient to determine the role of this variant in disease. Therefore, it has been classified as a Variant of Uncertain Significance. Advanced modeling of protein sequence and biophysical properties (such as structural, functional, and spatial information, amino acid conservation, physicochemical variation, residue mobility, and thermodynamic stability) performed at Invitae indicates that this missense variant is expected to disrupt SCN1A protein function. ClinVar contains an entry for this variant (Variation ID: 1714342).

NM_001165963.4(SCN1A):c.592A>G (p.Ile198Val)

Gene: SCN1A (sodium voltage-gated channel alpha subunit 1; minus strand). Cytogenetic location: 2q24.3.
Variant type: single nucleotide variant.
Coding change: c.592A>G on transcript NM_001165963.4 (MANE Select); coding-DNA position 592, A replaced by G.
Protein change: p.Ile198Val; replaces isoleucine 198 with valine.
Molecular consequence: missense variant. On other transcripts: 5 prime UTR variant (1), non-coding transcript variant (1).
Genome position (GRCh38, 1-based): chr2:166,054,648, T>C on the plus strand (A>G on the coding strand, the complement: SCN1A is on the minus strand). VCF-style: chr2-166054648-T-C. GRCh37 (hg19) VCF-style: chr2-166911158-T-C.
Other names: c.592A>G, p.Ile198Val (NM_001165964.3, NM_001202435.3, NM_001353948.2 and 10 more transcripts); c.-1834A>G (NM_001353961.2); short protein forms I198V.
Identifiers: ClinVar variation 1714342 (VCV001714342.5), dbSNP rs2468246306, ClinGen allele CA349075279.